The following is an entry in ClinVar:

ClinVar aggregate classification (germline): Benign. Review status: criteria provided, multiple submitters, no conflicts (2 of 4 stars). 2 submissions from 2 submitters: Benign (2). Last evaluated 2018-07-13.

Allele frequency attached by ClinVar (database versions not stated): gnomAD exomes 0.01236 and 0.02881; ExAC 0.03098; gnomAD 0.12155 and 0.13050; ESP Exome Variant Server 0.12692; 1000 Genomes Project 0.12800; 1000 Genomes Project 30x 0.13335; TOPMed 0.13993.
gnomAD v4.1: 37,295 of 1,613,236 alleles (2.3%); highest among the groups gnomAD compares: African/African-American, 43%; 7,149 homozygotes.

Submissions (2):

GeneDx
Classification: Benign. Last evaluated: 2018-07-13. Review status: criteria provided, single submitter. Criteria: GeneDx Variant Classification Process June 2021. Collection method: clinical testing. Allele origin: germline. Affected: yes.
Comment: This variant is associated with the following publications: (PMID: 25363768)

Breakthrough Genomics
Classification: Benign. Review status: criteria provided, single submitter. Criteria: ACMG Guidelines, 2015. Collection method: not provided. Allele origin: germline. Inheritance: Unknown mechanism. Affected: yes.

NM_032524.2(KRTAP4-4):c.74A>G (p.Tyr25Cys)

Gene: KRTAP4-4 (keratin associated protein 4-4; minus strand). Cytogenetic location: 17q21.2.
Variant type: single nucleotide variant.
Coding change: c.74A>G on transcript NM_032524.2 (MANE Select); coding-DNA position 74, A replaced by G.
Protein change: p.Tyr25Cys; replaces tyrosine 25 with cysteine.
Molecular consequence: missense variant.
Genome position (GRCh38, 1-based): chr17:41,160,618, T>C on the plus strand (A>G on the coding strand, the complement: KRTAP4-4 is on the minus strand). VCF-style: chr17-41160618-T-C. GRCh37 (hg19) VCF-style: chr17-39316870-T-C.
Other names: short protein forms Y25C.
Identifiers: ClinVar variation 1239554 (VCV001239554.4), dbSNP rs385055, ClinGen allele CA8553726.
Genomic context (GRCh38, chr17:41,160,618, plus strand): 5'-CAGCTGGACACACAGCAGCTGGGGCGGCAGCAGGTGGTCCTGCAGCAGGTGGTCTGGCAG[T>C]AGCTGGGACGGCAGCAGTTCTCTAGGCCACAGCCCTGGTCAGAGCACACAGAGCCACAAC-3'
Protein context (NP_115913.1, residues 15-35): CGLENCCRPS[Tyr25Cys]CQTTCCRTTC